The following is an entry in ClinVar:

GRCh38/hg38 16p13.3(chr16:19193-32412)x3

Gene: WASIR2 (WASH and IL9R antisense RNA 2; plus strand). Cytogenetic location: 16p13.3.
Variant type: copy number gain.
Change: copy number 3 (three copies instead of two) of chr16:19,193-32,412 (13.2 kb, GRCh38 coordinates, 1-based), cytogenetic band 16p13.3.
Identifiers: ClinVar variation 145046 (VCV000145046.1).

ClinVar aggregate classification (germline): Benign/Likely benign (0 of 4 stars; one submission).

Submission:

GeneDx
Classification: Benign/Likely benign. Last evaluated: 2011-04-30. Review status: no assertion criteria provided. Collection method: clinical testing. Allele origin: not provided. Affected: yes. Observed: 7 variant alleles. Clinical features observed: Developmental delay AND/OR other significant developmental or morphological phenotypes.
Comment: Likely benign (1), Benign (6)